The following is an entry in ClinVar:

NM_022356.4(P3H1):c.1621G>C (p.Val541Leu)

Gene: P3H1 (prolyl 3-hydroxylase 1; minus strand). Cytogenetic location: 1p34.2.
Variant type: single nucleotide variant.
Coding change: c.1621G>C on transcript NM_022356.4 (MANE Select); coding-DNA position 1621, G replaced by C.
Protein change: p.Val541Leu; replaces valine 541 with leucine.
Molecular consequence: missense variant.
Genome position (GRCh38, 1-based): chr1:42,750,285, C>G on the plus strand (G>C on the coding strand, the complement: P3H1 is on the minus strand). VCF-style: chr1-42750285-C-G. GRCh37 (hg19) VCF-style: chr1-43215956-C-G.
Other names: c.1621G>C, p.Val541Leu (NM_001146289.2, NM_001243246.2); short protein forms V541L.
Identifiers: ClinVar variation 2039908 (VCV002039908.2), dbSNP rs369552220, ClinGen allele CA801756.

ClinVar aggregate classification (germline): Uncertain significance. Review status: criteria provided, multiple submitters, no conflicts (2 of 4 stars). 2 submissions from 2 submitters: Uncertain significance (2). Last evaluated 2024-08-15.

Conditions:
Inborn genetic diseases. Identifiers: MedGen C0950123, MeSH D030342.
Osteogenesis imperfecta type 8 (OI8). Identifiers: MedGen C1970458, MONDO:0012581, OMIM 610915.

gnomAD v4.1: 12 of 1,613,968 alleles (0.00074%); highest among the groups gnomAD compares: Admixed American, 0.02%; no homozygotes.

Submissions (2):

Ambry Genetics
Classification: Uncertain significance for Inborn genetic diseases. Last evaluated: 2024-08-15. Review status: criteria provided, single submitter. Criteria: Ambry Variant Classification Scheme 2023. Collection method: clinical testing. Allele origin: germline.

Labcorp Genetics (formerly Invitae), Labcorp
Classification: Uncertain significance for Osteogenesis imperfecta type 8. Last evaluated: 2022-04-12. Review status: criteria provided, single submitter. Criteria: Invitae Variant Classification Sherloc (09022015). Collection method: clinical testing. Allele origin: germline.
Comment: This sequence change replaces valine, which is neutral and non-polar, with leucine, which is neutral and non-polar, at codon 541 of the P3H1 protein (p.Val541Leu). This variant is present in population databases (rs369552220, gnomAD 0.03%). This variant has not been reported in the literature in individuals affected with P3H1-related conditions. Algorithms developed to predict the effect of missense changes on protein structure and function (SIFT, PolyPhen-2, Align-GVGD) all suggest that this variant is likely to be tolerated. In summary, the available evidence is currently insufficient to determine the role of this variant in disease. Therefore, it has been classified as a Variant of Uncertain Significance.